The following is an entry in ClinVar:

NM_000303.3(PMM2):c.395T>C (p.Ile132Thr)

Gene: PMM2 (phosphomannomutase 2; plus strand). Cytogenetic location: 16p13.2.
Variant type: single nucleotide variant.
Coding change: c.395T>C on transcript NM_000303.3 (MANE Select); coding-DNA position 395, T replaced by C.
Protein change: p.Ile132Thr; replaces isoleucine 132 with threonine.
Molecular consequence: missense variant.
Genome position (GRCh38, 1-based): chr16:8,811,126, T>C. VCF-style: chr16-8811126-T-C. GRCh37 (hg19) VCF-style: chr16-8904983-T-C.
Other names: short protein forms I132T.
Identifiers: ClinVar variation 7718 (VCV000007718.29), dbSNP rs80338702, ClinGen allele CA340689.

ClinVar aggregate classification (germline): Pathogenic. Review status: criteria provided, multiple submitters, no conflicts (2 of 4 stars). 8 submissions from 8 submitters: Pathogenic (5). 3 of the submissions do not count toward it. Last evaluated 2025-02-10.

Conditions:
PMM2-congenital disorder of glycosylation. Also called: CDG Ia; JAEKEN SYNDROME; PHOSPHOMANNOMUTASE 2 DEFICIENCY; CARBOHYDRATE-DEFICIENT GLYCOPROTEIN SYNDROME, TYPE Ia; PMM2-CDG; Congenital disorder of glycosylation, type Ia. Identifiers: Orphanet 79318, MedGen C0349653, MONDO:0008907, OMIM 212065.

Allele frequency attached by ClinVar (database versions not stated): gnomAD exomes 0.00001; ExAC 0.00003.
gnomAD v4.1: 4 of 1,578,444 alleles (0.00025%); highest among the groups gnomAD compares: Non-Finnish European, 0.00035%; no homozygotes.

Submissions (8):

Natera, Inc.
Classification: Pathogenic for Congenital disorder of glycosylation type 1a. Last evaluated: 2025-02-10. Review status: criteria provided, single submitter. Criteria: Natera Variant Classification Schema (03/2026). Collection method: clinical testing. Allele origin: germline.
Comment: The c.395T>C variant in PMM2 is a missense variant predicted to cause substitution of isoleucine to threonine at amino acid 132. This variant is rare in the general population with a frequency below the threshold expected for the associated phenotype(s). This variant has been observed in one or more individuals affected with the associated recessive disease, as either homozygous or compound heterozygous with a second variant (PMID: 15844218). Computational prediction algorithms indicate this variant is likely to affect gene or protein function. Given the available evidence, this variant is classified as Pathogenic.

Labcorp Genetics (formerly Invitae), Labcorp
Classification: Pathogenic for PMM2-congenital disorder of glycosylation. Last evaluated: 2024-12-07. Review status: criteria provided, single submitter. Criteria: Invitae Variant Classification Sherloc (09022015). Collection method: clinical testing. Allele origin: germline.
Comment: This sequence change replaces isoleucine, which is neutral and non-polar, with threonine, which is neutral and polar, at codon 132 of the PMM2 protein (p.Ile132Thr). The frequency data for this variant in the population databases is considered unreliable, as metrics indicate poor data quality at this position in the gnomAD database. This missense change has been observed in individual(s) with PMM2-related disease (PMID: 9497260, 15844218, 25355454, 29361989). In at least one individual the data is consistent with being in trans (on the opposite chromosome) from a pathogenic variant. ClinVar contains an entry for this variant (Variation ID: 7718). Invitae Evidence Modeling of protein sequence and biophysical properties (such as structural, functional, and spatial information, amino acid conservation, physicochemical variation, residue mobility, and thermodynamic stability) indicates that this missense variant is expected to disrupt PMM2 protein function with a positive predictive value of 95%. For these reasons, this variant has been classified as Pathogenic.

Women's Health and Genetics/Laboratory Corporation of America, LabCorp
Classification: Pathogenic for PMM2-congenital disorder of glycosylation. Last evaluated: 2021-12-20. Review status: criteria provided, single submitter. Criteria: LabCorp Variant Classification Summary - May 2015. Collection method: clinical testing. Allele origin: germline.
Comment: Variant summary: PMM2 c.395T>C (p.Ile132Thr) results in a non-conservative amino acid change in the encoded protein sequence. Five of five in-silico tools predict a damaging effect of the variant on protein function. The variant allele was found at a frequency of 9.9e-06 in 201056 control chromosomes. c.395T>C has been reported in the literature as a compound heterozygous genotype in multiple individuals affected with Congenital Disorder Of Glycosylation Type 1a (example, Matthijs_1998, de Lonlay_2001, Le Bizec_2005, Wu_2018, Quelhas_2021). These data indicate that the variant is very likely to be associated with disease. To our knowledge, no variant specific experimental evidence demonstrating an impact on protein function has been reported. One clinical diagnostic laboratory has submitted clinical-significance assessments for this variant to ClinVar after 2014 and classified the variant as pathogenic. Based on the evidence outlined above, the variant was classified as pathogenic.

Myriad Genetics, Inc.
Classification: Pathogenic for PMM2-congenital disorder of glycosylation. Last evaluated: 2021-11-03. Review status: criteria provided, single submitter. Criteria: Myriad Women's Health Autosomal Recessive and X-Linked Classification Criteria (2021). Collection method: clinical testing. Allele origin: unknown.
Comment: NM_000303.2(PMM2):c.395T>C(I132T) is a missense variant classified as pathogenic in the context of congenital disorder of glycosylation type Ia. I132T has been observed in cases with relevant disease (PMID: 33176815, 19396570, 9497260, 15844218, 32874916, 25355454, 29361989). Functional assessments of this variant are not available in the literature. I132T has been observed in population frequency databases (gnomAD: ASJ 0.01%). In summary, NM_000303.2(PMM2):c.395T>C(I132T) is a missense variant that has been observed more frequently in cases with the relevant disease than in healthy populations. Please note: this variant was assessed in the context of healthy population screening.

Juno Genomics, Hangzhou Juno Genomics, Inc
Classification: Pathogenic for PMM2-congenital disorder of glycosylation. Review status: criteria provided, single submitter. Criteria: ACMG Guidelines, 2015. Collection method: clinical testing. Allele origin: germline.
Comment: Absent from controls (or at extremely low frequency if recessive) in Genome Aggregation Database.;For recessive disorders, detected in trans with a pathogenic variant.;Patient's phenotype or family history is highly specific for a disease with a single genetic etiology.;Multiple lines of computational evidence support a deleterious effect on the gene or gene product.

OMIM
Classification: Pathogenic for CONGENITAL DISORDER OF GLYCOSYLATION, TYPE Ia. Last evaluated: 2000-08-01. Review status: no assertion criteria provided. Collection method: literature only. Allele origin: germline. Not counted in ClinVar's aggregate classification.

GeneReviews
No classification provided. Condition: PMM2-congenital disorder of glycosylation. Review status: no classification provided. Collection method: literature only. Allele origin: unknown. Not counted in ClinVar's aggregate classification.

Pediatric Metabolic Diseases, Hacettepe University
Classification: Pathogenic for PMM2-congenital disorder of glycosylation. Review status: no assertion criteria provided. Collection method: clinical testing. Allele origin: germline. Affected: yes. Not counted in ClinVar's aggregate classification.

Literature cited by the submitters: PubMed 15844218 (cited by 4 submitters); PubMed 9497260 (cited by 3 submitters); PubMed 25355454 (cited by Labcorp Genetics (formerly Invitae), Labcorp and Myriad Genetics, Inc.); PubMed 29361989 (cited by 3 submitters); PubMed 11134235 (cited by Women's Health and Genetics/Laboratory Corporation of America, LabCorp and GeneReviews); PubMed 33340551 (cited by Women's Health and Genetics/Laboratory Corporation of America, LabCorp); PubMed 19396570 (cited by Myriad Genetics, Inc.); PubMed 33176815 (cited by Myriad Genetics, Inc.); PubMed 32874916 (cited by Myriad Genetics, Inc.); PubMed 10922383 (cited by OMIM and GeneReviews); PubMed 20301289 (cited by GeneReviews and Pediatric Metabolic Diseases, Hacettepe University); NCBI Bookshelf NBK1110 (cited by GeneReviews).